The following is an entry in ClinVar:

ClinVar aggregate classification (germline): Uncertain significance (1 of 4 stars; one submission).

Conditions:
Malignant hyperthermia, susceptibility to, 1 (MHS1). Also called: Anesthesia related hyperthermia; Malignant hyperpyrexia; Fulminating hyperpyrexia; Pharmacogenic myopathy; RYR1-Related Malignant Hyperthermia Susceptibility; Malignant hyperthermia suceptibility 1. Identifiers: Orphanet 423, MedGen C2930980, MONDO:0007783, OMIM 145600.

Submission:

All of Us Research Program, National Institutes of Health
Classification: Uncertain significance for Malignant hyperthermia, susceptibility to, 1. Last evaluated: 2023-11-30. Review status: criteria provided, single submitter. Criteria: ACMG Guidelines, 2015. Collection method: clinical testing. Allele origin: germline. Inheritance: Autosomal dominant inheritance. Observed: 1 variant allele, 1 heterozygote.
Comment: This study involves interpretation of variants in research participants for the purpose of population health screening. Participant phenotype was not available at the time of variant classification. Additional details can be found in publication PMID: 35346344, PMCID: PMC8962531

NM_000540.3(RYR1):c.10772A>C (p.Lys3591Thr)

Gene: RYR1 (ryanodine receptor 1; plus strand). Cytogenetic location: 19q13.2.
Variant type: single nucleotide variant.
Coding change: c.10772A>C on transcript NM_000540.3 (MANE Select); coding-DNA position 10772, A replaced by C.
Protein change: p.Lys3591Thr; replaces lysine 3591 with threonine.
Molecular consequence: missense variant.
Genome position (GRCh38, 1-based): chr19:38,527,732, A>C. VCF-style: chr19-38527732-A-C. GRCh37 (hg19) VCF-style: chr19-39018372-A-C.
Other names: c.10757A>C, p.Lys3586Thr (NM_001042723.2); short protein forms K3586T, K3591T.
Identifiers: ClinVar variation 3073155 (VCV003073155.1), dbSNP rs2514489332, ClinGen allele CA405646996.